The following is an entry in ClinVar:

NM_001042492.3(NF1):c.7148A>C (p.Asn2383Thr)

Gene: NF1 (neurofibromin 1; plus strand). Cytogenetic location: 17q11.2.
Variant type: single nucleotide variant.
Coding change: c.7148A>C on transcript NM_001042492.3 (MANE Select); coding-DNA position 7148, A replaced by C.
Protein change: p.Asn2383Thr; replaces asparagine 2383 with threonine.
Molecular consequence: missense variant.
Genome position (GRCh38, 1-based): chr17:31,343,094, A>C. VCF-style: chr17-31343094-A-C. GRCh37 (hg19) VCF-style: chr17-29670112-A-C.
Other names: c.7085A>C, p.Asn2362Thr (NM_000267.4); short protein forms N2362T, N2383T.
Identifiers: ClinVar variation 1946855 (VCV001946855.7), dbSNP rs146296921, ClinGen allele CA399015697.

ClinVar aggregate classification (germline): Uncertain significance. Review status: criteria provided, multiple submitters, no conflicts (2 of 4 stars). 2 submissions from 2 submitters: Uncertain significance (2). Last evaluated 2026-07-13.

Conditions:
Neurofibromatosis, type 1 (NF1). Also called: NEUROFIBROMATOSIS, TYPE I, SOMATIC; VON RECKLINGHAUSEN DISEASE; Peripheral type neurofibromatosis; Neurofibromatosis, type I. Identifiers: Orphanet 636, MedGen C0027831, MONDO:0018975, OMIM 162200. Disease mechanism: loss of function.
Hereditary cancer-predisposing syndrome. Also called: Hereditary neoplastic syndrome; Neoplastic Syndromes, Hereditary; Tumor predisposition; Hereditary Cancer Syndrome. Identifiers: Orphanet 140162, MedGen C0027672, MeSH D009386, MONDO:0015356.
Cardiovascular phenotype. Identifiers: MedGen CN230736.

Submissions (2):

Ambry Genetics
Classification: Uncertain significance for Cardiovascular phenotype; Hereditary cancer-predisposing syndrome. Last evaluated: 2026-07-13. Review status: criteria provided, single submitter. Criteria: Ambry Variant Classification Scheme 2023. Collection method: clinical testing. Allele origin: germline.
Comment: The p.N2362T variant (also known as c.7085A>C), located in coding exon 47 of the NF1 gene, results from an A to C substitution at nucleotide position 7085. The asparagine at codon 2362 is replaced by threonine, an amino acid with similar properties. This amino acid position is conserved. In addition, this alteration is predicted to be tolerated by in silico analysis. Based on the available evidence, the clinical significance of this variant remains unclear.

Labcorp Genetics (formerly Invitae), Labcorp
Classification: Uncertain significance for Neurofibromatosis, type 1. Last evaluated: 2024-02-17. Review status: criteria provided, single submitter. Criteria: Invitae Variant Classification Sherloc (09022015). Collection method: clinical testing. Allele origin: germline.
Comment: This sequence change replaces asparagine, which is neutral and polar, with threonine, which is neutral and polar, at codon 2362 of the NF1 protein (p.Asn2362Thr). This variant is not present in population databases (gnomAD no frequency). This variant has not been reported in the literature in individuals affected with NF1-related conditions. ClinVar contains an entry for this variant (Variation ID: 1946855). Advanced modeling of protein sequence and biophysical properties (such as structural, functional, and spatial information, amino acid conservation, physicochemical variation, residue mobility, and thermodynamic stability) performed at Invitae indicates that this missense variant is not expected to disrupt NF1 protein function with a negative predictive value of 95%. In summary, the available evidence is currently insufficient to determine the role of this variant in disease. Therefore, it has been classified as a Variant of Uncertain Significance.